The following is an entry in ClinVar:

ClinVar aggregate classification (germline): Uncertain significance. Review status: criteria provided, multiple submitters, no conflicts (2 of 4 stars). 2 submissions from 2 submitters: Uncertain significance (2). Last evaluated 2024-10-29.

Allele frequency attached by ClinVar (database versions not stated): TOPMed 0.00001.

Submissions (2):

Labcorp Genetics (formerly Invitae), Labcorp
Classification: Uncertain significance. Last evaluated: 2024-10-29. Review status: criteria provided, single submitter. Criteria: Invitae Variant Classification Sherloc (09022015). Collection method: clinical testing. Allele origin: germline.
Comment: This sequence change replaces isoleucine, which is neutral and non-polar, with valine, which is neutral and non-polar, at codon 926 of the RBP3 protein (p.Ile926Val). This variant is not present in population databases (gnomAD no frequency). This variant has not been reported in the literature in individuals affected with RBP3-related conditions. ClinVar contains an entry for this variant (Variation ID: 1976883). Invitae Evidence Modeling of protein sequence and biophysical properties (such as structural, functional, and spatial information, amino acid conservation, physicochemical variation, residue mobility, and thermodynamic stability) indicates that this missense variant is not expected to disrupt RBP3 protein function with a negative predictive value of 80%. In summary, the available evidence is currently insufficient to determine the role of this variant in disease. Therefore, it has been classified as a Variant of Uncertain Significance.

Blueprint Genetics
Classification: Uncertain significance. Last evaluated: 2023-04-05. Review status: criteria provided, single submitter. Criteria: ACMG Guidelines, 2015. Collection method: clinical testing. Allele origin: germline.

NM_002900.3(RBP3):c.2776A>G (p.Ile926Val)

Gene: RBP3 (retinol binding protein 3; plus strand). Cytogenetic location: 10q11.22.
Variant type: single nucleotide variant.
Coding change: c.2776A>G on transcript NM_002900.3 (MANE Select); coding-DNA position 2776, A replaced by G.
Protein change: p.Ile926Val; replaces isoleucine 926 with valine.
Molecular consequence: missense variant.
Genome position (GRCh38, 1-based): chr10:47,351,260, A>G. VCF-style: chr10-47351260-A-G. GRCh37 (hg19) VCF-style: chr10-48388102-T-C.
Other names: short protein forms I926V.
Identifiers: ClinVar variation 1976883 (VCV001976883.6), dbSNP rs1439010008, ClinGen allele CA376674984.